The following is an entry in ClinVar:

ClinVar aggregate classification (germline): Uncertain significance. Review status: criteria provided, multiple submitters, no conflicts (2 of 4 stars). 2 submissions from 2 submitters: Uncertain significance (2). Last evaluated 2025-11-25.

Conditions:
Generalized epilepsy-paroxysmal dyskinesia syndrome (PNKD3). Also called: Paroxysmal nonkinesigenic dyskinesia, 3, with or without generalized epilepsy; Generalized epilepsy and paroxysmal dyskinesia. Identifiers: Orphanet 79137, MedGen C5574945, MONDO:0012276, OMIM 609446.

Submissions (2):

Labcorp Genetics (formerly Invitae), Labcorp
Classification: Uncertain significance for Generalized epilepsy-paroxysmal dyskinesia syndrome. Last evaluated: 2025-11-25. Review status: criteria provided, single submitter. Criteria: Invitae Variant Classification Sherloc (09022015). Collection method: clinical testing. Allele origin: germline.
Comment: This variant, c.31_48del, results in the deletion of 6 amino acid(s) of the KCNMA1 protein (p.Ser11_Gly16del), but otherwise preserves the integrity of the reading frame. The frequency data for this variant in the population databases is considered unreliable, as metrics indicate poor data quality at this position in the gnomAD database. This variant has not been reported in the literature in individuals affected with KCNMA1-related conditions. ClinVar contains an entry for this variant (Variation ID: 567863). Experimental studies and prediction algorithms are not available or were not evaluated, and the functional significance of this variant is currently unknown. In summary, the available evidence is currently insufficient to determine the role of this variant in disease. Therefore, it has been classified as a Variant of Uncertain Significance.

GeneDx
Classification: Uncertain significance. Last evaluated: 2024-05-13. Review status: criteria provided, single submitter. Criteria: GeneDx Variant Classification Process June 2021. Collection method: clinical testing. Allele origin: germline. Affected: yes.
Comment: In-frame deletion of 6 amino acids in a non-repeat region; In silico analysis supports a deleterious effect on protein structure/function; Has not been previously published as pathogenic or benign to our knowledge

NM_001161352.2(KCNMA1):c.31_48del (p.Ser11_Gly16del)

Gene: KCNMA1 (potassium calcium-activated channel subfamily M alpha 1; minus strand). Cytogenetic location: 10q22.3.
Variant type: Deletion.
Coding change: c.31_48del on transcript NM_001161352.2 (MANE Select); coding-DNA positions 31 to 48, 18 bases deleted (AGCAGCGGCGGCGGCGGC).
Protein change: p.Ser11_Gly16del.
Molecular consequence: inframe deletion.
Genome position (GRCh38, 1-based): chr10:77,637,595-77,637,612, GCCGCCGCCGCCGCTGCT deleted on the plus strand (AGCAGCGGCGGCGGCGGC on the coding strand, the reverse complement: KCNMA1 is on the minus strand); deleting any 18 consecutive bases within chr10:77,637,595-77,637,626 gives the same sequence; the c. name uses the placement nearest the transcript's 3' end. VCF-style (leftmost placement, unchanged base first): chr10-77637594-CGCCGCCGCCGCCGCTGCT-C. GRCh37 (hg19) VCF-style: chr10-79397352-CGCCGCCGCCGCCGCTGCT-C.
Other names: c.31_48del (NM_002247.3); c.31_48del, p.Ser11_Gly16del (NM_001014797.3, NM_001161353.2, NM_001271518.2 and 12 more transcripts).
Identifiers: ClinVar variation 567863 (VCV000567863.12), dbSNP rs759136661, ClinGen allele CA594712753.